The following is an entry in ClinVar:

NM_001127392.3(MYRF):c.2956C>T (p.Arg986Ter)

Gene: MYRF (myelin regulatory factor; plus strand). Cytogenetic location: 11q12.2.
Variant type: single nucleotide variant.
Coding change: c.2956C>T on transcript NM_001127392.3 (MANE Select); coding-DNA position 2956, C replaced by T.
Protein change: p.Arg986Ter; replaces arginine 986 with a stop codon.
Molecular consequence: nonsense.
Genome position (GRCh38, 1-based): chr11:61,781,764, C>T. VCF-style: chr11-61781764-C-T. GRCh37 (hg19) VCF-style: chr11-61549236-C-T.
Other names: c.2851C>T, p.Arg951Ter (NM_013279.4); short protein forms R951*, R986*.
Identifiers: ClinVar variation 2584483 (VCV002584483.1), dbSNP rs2541005761, ClinGen allele CA380861813.

ClinVar aggregate classification (germline): Pathogenic (1 of 4 stars; one submission).

Conditions:
MYRF-related disorder. Also called: MYRF-related condition; MYRF-related disorders.

Submission:

Rady Children's Institute for Genomic Medicine, Rady Children's Hospital San Diego
Classification: Pathogenic for MYRF-Related Disorders. Review status: criteria provided, single submitter. Criteria: ACMG Guidelines, 2015. Collection method: clinical testing. Allele origin: germline. Affected: yes.
Comment: This nonsense variant found in exon 22 of 27 is predicted to result in loss of normal protein function through either protein truncation or nonsense-mediated mRNA decay (NMD) (PMID: 31069960, 29446546). This variant has been previously reported in a patient with nanophthalmos (PMID: 31266062). The MYRF gene is highly constrained (Z-score= 3.29 and pLI = 1), which suggests it is intolerant to variation. The c.2956C>T (p.Arg986Ter) variant is absent from the gnomAD population database and thus is presumed to be rare. Based on the available evidence, the c.2956C>T (p.Arg986Ter) variant is classified as Pathogenic.